The following is an entry in ClinVar:

ClinVar aggregate classification (germline): Uncertain significance (1 of 4 stars; one submission).

Conditions:
Combined oxidative phosphorylation deficiency 40. Identifiers: Orphanet 570491, MedGen C5394232, MONDO:0030006, OMIM 618835.

gnomAD v4.1: 1 of 1,612,748 alleles (0.000062%); highest among the groups gnomAD compares: African/African-American, 0.0013%; no homozygotes.

Submission:

Juno Genomics, Hangzhou Juno Genomics, Inc
Classification: Uncertain significance for Combined oxidative phosphorylation deficiency 40. Review status: criteria provided, single submitter. Criteria: ACMG Guidelines, 2015. Collection method: clinical testing. Allele origin: germline.
Comment: Absent from controls (or at extremely low frequency if recessive) in Genome Aggregation Database.;Multiple lines of computational evidence support a deleterious effect on the gene or gene product.

NM_018292.5(QRSL1):c.557+6A>G

Gene: QRSL1 (glutaminyl-tRNA amidotransferase subunit QRSL1; plus strand). Cytogenetic location: 6q21.
Variant type: single nucleotide variant.
Coding change: c.557+6A>G on transcript NM_018292.5 (MANE Select); 6 bases into the intron after coding-DNA position 557, A replaced by G.
Molecular consequence: intron variant.
Genome position (GRCh38, 1-based): chr6:106,649,207, A>G. VCF-style: chr6-106649207-A-G. GRCh37 (hg19) VCF-style: chr6-107097082-A-G.
Identifiers: ClinVar variation 5006948 (VCV005006948.2).
Genomic context (GRCh38, chr6:106,649,207, plus strand): 5'-CTGGAGGAAGCTCAGGTGGGAGTGCAGCTGCTGTATCGGCGTTCACATGCTACGCGTAAG[A>G]TGCTTTTCTCTATCTGTATTTTAAAACCCACCCAAATACAAACAGTCATAAACTGTATCC-3'